The following is an entry in ClinVar:

NM_003072.5(SMARCA4):c.4066C>T (p.Arg1356Trp)

Gene: SMARCA4 (SWI/SNF related BAF chromatin remodeling complex subunit ATPase 4; plus strand). Cytogenetic location: 19p13.2.
Variant type: single nucleotide variant.
Coding change: c.4066C>T on transcript NM_003072.5 (MANE Select); coding-DNA position 4066, C replaced by T.
Protein change: p.Arg1356Trp; replaces arginine 1356 with tryptophan.
Molecular consequence: missense variant. On other transcripts: non-coding transcript variant (1).
Genome position (GRCh38, 1-based): chr19:11,035,028, C>T. VCF-style: chr19-11035028-C-T. GRCh37 (hg19) VCF-style: chr19-11145704-C-T.
Other names: c.4066C>T, p.Arg1356Trp (NM_001128844.3, NM_001128849.3, NM_001387283.1); c.3967C>T, p.Arg1323Trp (NM_001128845.2, NM_001128846.2, NM_001128847.4 and 3 more transcripts); short protein forms R1323W, R1356W.
Identifiers: ClinVar variation 3017376 (VCV003017376.3), dbSNP rs2146700475, ClinGen allele CA404068242.

ClinVar aggregate classification (germline): Uncertain significance (1 of 4 stars; one submission).

Conditions:
Rhabdoid tumor predisposition syndrome 2 (RTPS2). Identifiers: Orphanet 231108, Orphanet 69077, MedGen C2750074, MONDO:0013224, OMIM 613325.

Submission:

Labcorp Genetics (formerly Invitae), Labcorp
Classification: Uncertain significance for Rhabdoid tumor predisposition syndrome 2. Last evaluated: 2023-07-25. Review status: criteria provided, single submitter. Criteria: Invitae Variant Classification Sherloc (09022015). Collection method: clinical testing. Allele origin: germline.
Comment: This sequence change replaces arginine, which is basic and polar, with tryptophan, which is neutral and slightly polar, at codon 1356 of the SMARCA4 protein (p.Arg1356Trp). In summary, the available evidence is currently insufficient to determine the role of this variant in disease. Therefore, it has been classified as a Variant of Uncertain Significance. Advanced modeling of protein sequence and biophysical properties (such as structural, functional, and spatial information, amino acid conservation, physicochemical variation, residue mobility, and thermodynamic stability) performed at Invitae indicates that this missense variant is expected to disrupt SMARCA4 protein function. This variant has not been reported in the literature in individuals affected with SMARCA4-related conditions. This variant is not present in population databases (gnomAD no frequency).